The following is an entry in ClinVar:

ClinVar aggregate classification (germline): Pathogenic (1 of 4 stars; one submission).

Submission:

Labcorp Genetics (formerly Invitae), Labcorp
Classification: Pathogenic. Last evaluated: 2025-11-18. Review status: criteria provided, single submitter. Criteria: Invitae Variant Classification Sherloc (09022015). Collection method: clinical testing. Allele origin: germline.
Comment: This sequence change creates a premature translational stop signal (p.Leu310Glnfs*21) in the RP1 gene. While this is not anticipated to result in nonsense mediated decay, it is expected to disrupt the last 1847 amino acid(s) of the RP1 protein. This variant is not present in population databases (gnomAD no frequency). This variant has not been reported in the literature in individuals affected with RP1-related conditions. This variant disrupts the C-terminus of the RP1 protein. Many variants that disrupt this region have been reported in individuals with either autosomal dominant or autosomal recessive retinitis pigmentosa (PMID: 11527933, 19933189, 29425069, 30027431, 33681214). Therefore, variants that disrupt this region are expected to be disease-causing. For these reasons, this variant has been classified as Pathogenic.

Literature cited by the submitters: PubMed 11527933; PubMed 19933189; PubMed 29425069; PubMed 30027431; PubMed 33681214.

NM_006269.2(RP1):c.927_930del (p.Leu310fs)

Gene: RP1 (RP1 axonemal microtubule associated; plus strand). Cytogenetic location: 8q12.1.
Variant type: Deletion.
Coding change: c.927_930del on transcript NM_006269.2 (MANE Select); coding-DNA positions 927 to 930, 4 bases deleted (TTTA; older notation c.927_930delTTTA).
Protein change: p.Leu310fs; shifts the reading frame from leucine 310.
Molecular consequence: frameshift variant. On other transcripts: intron variant (1).
Genome position (GRCh38, 1-based): chr8:54,624,809-54,624,812, TTTA deleted; deleting any 4 consecutive bases within chr8:54,624,808-54,624,812 gives the same sequence; the c. name uses the placement nearest the transcript's 3' end. VCF-style (leftmost placement, unchanged base first): chr8-54624807-AATTT-A. GRCh37 (hg19) VCF-style: chr8-55537367-AATTT-A.
Other names: c.787+2521_787+2524del (NM_001375654.1); short protein forms L310fs.
Identifiers: ClinVar variation 4730950 (VCV004730950.1).
Genomic context (GRCh38, chr8:54,624,807, plus strand): 5'-TACTTAGACTATTCTTTTGTTCCTGAAAAGTACTTGGCCTTAGAAAAGAATGATTCTCAG[AATTT>A]ACCAATATATCCTTCTGAAGATGATATTGAGAAATCAATTATTTTTAATCAAGACGGCAC-3'